The following is an entry in ClinVar:

ClinVar aggregate classification (germline): Benign (1 of 4 stars; one submission).

Allele frequency attached by ClinVar (database versions not stated): 1000 Genomes Project 30x 0.34088; 1000 Genomes Project 0.34904; TOPMed 0.40523; gnomAD 0.43293.
gnomAD v4.1: 66,192 of 151,892 alleles (44%); highest among the groups gnomAD compares: Non-Finnish European, 59%; 17,597 homozygotes.

Submission:

GeneDx
Classification: Benign. Last evaluated: 2018-06-14. Review status: criteria provided, single submitter. Criteria: GeneDx Variant Classification (06012015). Collection method: clinical testing. Allele origin: germline. Affected: yes.
Comment: This variant is considered likely benign or benign based on one or more of the following criteria: it is a conservative change, it occurs at a poorly conserved position in the protein, it is predicted to be benign by multiple in silico algorithms, and/or has population frequency not consistent with disease.

NM_001103.4(ACTN2):c.877-238C>T

Gene: ACTN2 (actinin alpha 2; plus strand). Cytogenetic location: 1q43.
Variant type: single nucleotide variant.
Coding change: c.877-238C>T on transcript NM_001103.4 (MANE Select); 238 bases into the intron before coding-DNA position 877, C replaced by T.
Molecular consequence: intron variant.
Genome position (GRCh38, 1-based): chr1:236,739,064, C>T. VCF-style: chr1-236739064-C-T. GRCh37 (hg19) VCF-style: chr1-236902364-C-T.
Other names: c.253-238C>T (NM_001278344.2); c.877-238C>T (NM_001278343.2).
Identifiers: ClinVar variation 678091 (VCV000678091.1), dbSNP rs4659711, ClinGen allele CA10757070.